The following is an entry in ClinVar:

NM_005859.5(PURA):c.206dup (p.Asn70fs)

Gene: PURA (purine rich element binding protein A; plus strand). Cytogenetic location: 5q31.3.
Variant type: Duplication.
Coding change: c.206dup on transcript NM_005859.5 (MANE Select); coding-DNA position 206, one base duplicated (A; older notation c.206dupA).
Protein change: p.Asn70fs; shifts the reading frame from asparagine 70.
Molecular consequence: frameshift variant.
Genome position (GRCh38, 1-based): chr5:140,114,387, A duplicated. VCF-style (leftmost placement, unchanged base first): chr5-140114386-C-CA. GRCh37 (hg19) VCF-style: chr5-139493971-C-CA.
Other names: short protein forms N70fs.
Identifiers: ClinVar variation 1695142 (VCV001695142.31), dbSNP rs2126748816, ClinGen allele CA2580072961.

ClinVar aggregate classification (germline): Likely pathogenic (1 of 4 stars; one submission).

Submission:

CeGaT Center for Human Genetics Tuebingen
Classification: Likely pathogenic. Last evaluated: 2022-06-01. Review status: criteria provided, single submitter. Criteria: CeGaT Center For Human Genetics Tuebingen Variant Classification Criteria Version 2. Collection method: clinical testing. Allele origin: germline. Affected: yes. Observed: 1 variant allele.
Comment: PURA: PVS1:Strong, PM2, PP4